The following is an entry in ClinVar:

NM_001035.3(RYR2):c.1803del (p.Asp602fs)

Gene: RYR2 (ryanodine receptor 2; plus strand). Cytogenetic location: 1q43.
Variant type: Deletion.
Coding change: c.1803del on transcript NM_001035.3 (MANE Select); coding-DNA position 1803, one base deleted (A; older notation c.1803delA).
Protein change: p.Asp602fs; shifts the reading frame from aspartic acid 602.
Molecular consequence: frameshift variant.
Genome position (GRCh38, 1-based): chr1:237,491,900, A deleted. VCF-style (leftmost placement, unchanged base first): chr1-237491899-TA-T. GRCh37 (hg19) VCF-style: chr1-237655199-TA-T.
Other names: short protein forms D602fs.
Identifiers: ClinVar variation 1696159 (VCV001696159.6), dbSNP rs2150413242, ClinGen allele CA2580062389.

ClinVar aggregate classification (germline): Uncertain significance. Review status: criteria provided, multiple submitters, no conflicts (2 of 4 stars). 2 submissions from 2 submitters: Uncertain significance (2). Last evaluated 2022-08-22.

Conditions:
Catecholaminergic polymorphic ventricular tachycardia 1. Also called: VENTRICULAR TACHYCARDIA, CATECHOLAMINERGIC POLYMORPHIC, 1, WITH OR WITHOUT ATRIAL DYSFUNCTION AND/OR DILATED CARDIOMYOPATHY; RYR2-Related Catecholaminergic Polymorphic Ventricular Tachycardia; VENTRICULAR TACHYCARDIA, STRESS-INDUCED POLYMORPHIC 1. Identifiers: Orphanet 3286, MedGen C1631597, MONDO:0011484, OMIM 604772.

Submissions (2):

Labcorp Genetics (formerly Invitae), Labcorp
Classification: Uncertain significance for Catecholaminergic polymorphic ventricular tachycardia 1. Last evaluated: 2022-08-22. Review status: criteria provided, single submitter. Criteria: Invitae Variant Classification Sherloc (09022015). Collection method: clinical testing. Allele origin: germline.
Comment: This variant is not present in population databases (gnomAD no frequency). This variant has not been reported in the literature in individuals affected with RYR2-related conditions. ClinVar contains an entry for this variant (Variation ID: 1696159). In summary, the available evidence is currently insufficient to determine the role of this variant in disease. Therefore, it has been classified as a Variant of Uncertain Significance. This sequence change creates a premature translational stop signal (p.Asp602Thrfs*48) in the RYR2 gene. It is expected to result in an absent or disrupted protein product. However, the current clinical and genetic evidence is not sufficient to establish whether loss-of-function variants in RYR2 cause disease.

Women's Health and Genetics/Laboratory Corporation of America, LabCorp
Classification: Uncertain significance. Last evaluated: 2022-05-09. Review status: criteria provided, single submitter. Criteria: LabCorp Variant Classification Summary - May 2015. Collection method: clinical testing. Allele origin: germline.
Comment: Variant summary: RYR2 c.1803delA (p.Asp602ThrfsX48) results in a premature termination codon, predicted to cause a truncation of the encoded protein or absence of the protein due to nonsense mediated decay. The predominant RYR2 mutational spectrum involves missense variants in individuals with Catecholaminergic Polymorphic Ventricular Tachycardia. Therefore, the impact of loss of function variants in RYR2 on disease is not well established. The variant was absent in 158308 control chromosomes. The available data on variant occurrences in the general population are insufficient to allow any conclusion about variant significance. To our knowledge, no occurrence of c.1803delA in individuals affected with Catecholaminergic Polymorphic Ventricular Tachycardia and no experimental evidence demonstrating its impact on protein function have been reported. Co-occurrence with a pathogenic variant has been reported (DSP c.3195C>G, p.Y1065*), providing supporting evidence for a benign role. No clinical diagnostic laboratories have submitted clinical-significance assessments for this variant to ClinVar after 2014. Based on the evidence outlined above, the variant was classified as uncertain significance.